The following is an entry in ClinVar:

NM_052947.4(ALPK2):c.1170C>T (p.Asp390=)

Genes: ALPK2 (alpha kinase 2; minus strand), LOC114803473 (ALPK2 eExon liver enhancer; plus strand). Cytogenetic location: 18q21.31.
Variant type: single nucleotide variant.
Coding change: c.1170C>T on transcript NM_052947.4 (MANE Select); coding-DNA position 1170, C replaced by T.
Protein change: p.Asp390=; no amino-acid change (aspartic acid 390 retained).
Molecular consequence: synonymous variant.
Genome position (GRCh38, 1-based): chr18:58,579,606, G>A on the plus strand (C>T on the coding strand, the complement: ALPK2 is on the minus strand). VCF-style: chr18-58579606-G-A. GRCh37 (hg19) VCF-style: chr18-56246838-G-A.
Identifiers: ClinVar variation 1739449 (VCV001739449.26), dbSNP rs147397220, ClinGen allele CA8977305.

ClinVar aggregate classification (germline): Likely benign. Review status: criteria provided, multiple submitters, no conflicts (2 of 4 stars). 2 submissions from 2 submitters: Likely benign (2). Last evaluated 2023-05-01.

Allele frequency attached by ClinVar (database versions not stated): ESP Exome Variant Server 0.00023; gnomAD 0.00035; TOPMed 0.00066; ExAC 0.00098.
gnomAD v4.1: 649 of 1,613,558 alleles (0.04%); highest among the groups gnomAD compares: Admixed American, 0.45%; 2 homozygotes.

Submissions (2):

CeGaT Center for Human Genetics Tuebingen
Classification: Likely benign. Last evaluated: 2023-05-01. Review status: criteria provided, single submitter. Criteria: CeGaT Center For Human Genetics Tuebingen Variant Classification Criteria Version 2. Collection method: clinical testing. Allele origin: germline. Affected: yes. Observed: 1 variant allele.
Comment: ALPK2: BP4

Ambry Genetics
Classification: Likely benign. Last evaluated: 2022-02-12. Review status: criteria provided, single submitter. Criteria: Ambry Variant Classification Scheme 2023. Collection method: clinical testing. Allele origin: germline.